The following is an entry in ClinVar:

NM_139057.4(ADAMTS17):c.1828C>G (p.Gln610Glu)

Gene: ADAMTS17 (ADAM metallopeptidase with thrombospondin type 1 motif 17; minus strand). Cytogenetic location: 15q26.3.
Variant type: single nucleotide variant.
Coding change: c.1828C>G on transcript NM_139057.4 (MANE Select); coding-DNA position 1828, C replaced by G.
Protein change: p.Gln610Glu; replaces glutamine 610 with glutamic acid.
Molecular consequence: missense variant.
Genome position (GRCh38, 1-based): chr15:100,116,907, G>C on the plus strand (C>G on the coding strand, the complement: ADAMTS17 is on the minus strand). VCF-style: chr15-100116907-G-C. GRCh37 (hg19) VCF-style: chr15-100657112-G-C.
Other names: c.1828C>G (NM_139057.2); short protein forms Q610E.
Identifiers: ClinVar variation 1961611 (VCV001961611.6), dbSNP rs766458746, ClinGen allele CA7758050.

ClinVar aggregate classification (germline): Uncertain significance. Review status: criteria provided, multiple submitters, no conflicts (2 of 4 stars). 2 submissions from 2 submitters: Uncertain significance (2). Last evaluated 2023-08-21.

Conditions:
Inborn genetic diseases. Identifiers: MedGen C0950123, MeSH D030342.

Allele frequency attached by ClinVar (database versions not stated): gnomAD exomes below 0.00001; ExAC 0.00001.
gnomAD v4.1: 4 of 1,614,204 alleles (0.00025%); highest among the groups gnomAD compares: Non-Finnish European, 0.00034%; no homozygotes.

Submissions (2):

Ambry Genetics
Classification: Uncertain significance for Inborn genetic diseases. Last evaluated: 2023-08-21. Review status: criteria provided, single submitter. Criteria: Ambry Variant Classification Scheme 2023. Collection method: clinical testing. Allele origin: germline.

Labcorp Genetics (formerly Invitae), Labcorp
Classification: Uncertain significance. Last evaluated: 2022-02-04. Review status: criteria provided, single submitter. Criteria: Invitae Variant Classification Sherloc (09022015). Collection method: clinical testing. Allele origin: germline.
Comment: In summary, the available evidence is currently insufficient to determine the role of this variant in disease. Therefore, it has been classified as a Variant of Uncertain Significance. Algorithms developed to predict the effect of missense changes on protein structure and function are either unavailable or do not agree on the potential impact of this missense change (SIFT: "Not Available"; PolyPhen-2: "Benign"; Align-GVGD: "Not Available"). This variant has not been reported in the literature in individuals affected with ADAMTS17-related conditions. This variant is present in population databases (rs766458746, gnomAD 0.002%). This sequence change replaces glutamine, which is neutral and polar, with glutamic acid, which is acidic and polar, at codon 610 of the ADAMTS17 protein (p.Gln610Glu).